The following is an entry in ClinVar:

NM_020778.5(ALPK3):c.2945C>T (p.Ser982Phe)

Gene: ALPK3 (alpha kinase 3; plus strand). Cytogenetic location: 15q25.3.
Variant type: single nucleotide variant.
Coding change: c.2945C>T on transcript NM_020778.5 (MANE Select); coding-DNA position 2945, C replaced by T.
Protein change: p.Ser982Phe; replaces serine 982 with phenylalanine.
Molecular consequence: missense variant.
Genome position (GRCh38, 1-based): chr15:84,857,683, C>T. VCF-style: chr15-84857683-C-T. GRCh37 (hg19) VCF-style: chr15-85400914-C-T.
Other names: short protein forms S982F.
Identifiers: ClinVar variation 4702564 (VCV004702564.1).
Genomic context (GRCh38, chr15:84,857,683, plus strand): 5'-ACTACCTGCTTCTGCTGCTGAAGCTGTCCAGCACAGAGACAAGTGGAGCAGGGGGAGAGT[C>T]CCAGGTGGGGGCAGCCACCGGAGGTCTGGTGCCCTCAGCCACTCTGACACCCACTGTGGA-3'
Protein context (NP_065829.4, residues 972-992): STETSGAGGE[Ser982Phe]QVGAATGGLV

ClinVar aggregate classification (germline): Uncertain significance (1 of 4 stars; one submission).

gnomAD v4.1: 1 of 1,609,386 alleles (0.000062%); highest among the groups gnomAD compares: Non-Finnish European, 0.000085%; no homozygotes.

Submission:

Labcorp Genetics (formerly Invitae), Labcorp
Classification: Uncertain significance. Last evaluated: 2025-07-13. Review status: criteria provided, single submitter. Criteria: Invitae Variant Classification Sherloc (09022015). Collection method: clinical testing. Allele origin: germline.
Comment: This sequence change replaces serine, which is neutral and polar, with phenylalanine, which is neutral and non-polar, at codon 1184 of the ALPK3 protein (p.Ser1184Phe). This variant is not present in population databases (gnomAD no frequency). This variant has not been reported in the literature in individuals affected with ALPK3-related conditions. Invitae Evidence Modeling of protein sequence and biophysical properties (such as structural, functional, and spatial information, amino acid conservation, physicochemical variation, residue mobility, and thermodynamic stability) has been performed for this missense variant. However, the output from this modeling did not meet the statistical confidence thresholds required to predict the impact of this variant on ALPK3 protein function. In summary, the available evidence is currently insufficient to determine the role of this variant in disease. Therefore, it has been classified as a Variant of Uncertain Significance.